The following is an entry in ClinVar:

ClinVar aggregate classification (germline): Likely pathogenic (1 of 4 stars; one submission).

Conditions:
Usher syndrome type 1 (USH1). Also called: RETINITIS PIGMENTOSA AND CONGENITAL DEAFNESS. Identifiers: Orphanet 231169, Orphanet 886, MedGen C1568247, MONDO:0010168, OMIM 276900.

gnomAD v4.1: 1 of 1,613,854 alleles (0.000062%); highest among the groups gnomAD compares: Non-Finnish European, 0.000085%; no homozygotes.

Submission:

Myriad Genetics, Inc.
Classification: Likely pathogenic for Usher syndrome type 1. Last evaluated: 2022-05-15. Review status: criteria provided, single submitter. Criteria: Myriad Women's Health Autosomal Recessive and X-Linked Classification Criteria (2021). Collection method: clinical testing. Allele origin: unknown.
Comment: NM_000260.3(MYO7A):c.1642C>T(Q548*) is expected to be pathogenic in the context of MYO7A-related disorders. This variant is predicted to lead to an abnormal or absent protein product due to the creation of a premature termination codon in MYO7A, a gene where loss-of-function variants are known to be pathogenic. Please note: this variant was assessed in the context of healthy population screening.

NM_000260.4(MYO7A):c.1642C>T (p.Gln548Ter)

Gene: MYO7A (myosin VIIA; plus strand). Cytogenetic location: 11q13.5.
Variant type: single nucleotide variant.
Coding change: c.1642C>T on transcript NM_000260.4 (MANE Select); coding-DNA position 1642, C replaced by T.
Protein change: p.Gln548Ter; replaces glutamine 548 with a stop codon.
Molecular consequence: nonsense.
Genome position (GRCh38, 1-based): chr11:77,162,940, C>T. VCF-style: chr11-77162940-C-T. GRCh37 (hg19) VCF-style: chr11-76873986-C-T.
Other names: c.1642C>T, p.Gln548Ter (NM_001127180.2); c.1609C>T, p.Gln537Ter (NM_001369365.1); short protein forms Q537*, Q548*.
Identifiers: ClinVar variation 1726062 (VCV001726062.2), dbSNP rs2496886375, ClinGen allele CA381936236.